The following is an entry in ClinVar:

ClinVar aggregate classification (germline): Uncertain significance. Review status: criteria provided, single submitter (1 of 4 stars). 2 submissions from 2 submitters: Uncertain significance (1). 1 of the submissions does not count toward it. Last evaluated 2022-07-26.

Conditions:
Brain malformations with or without urinary tract defects. Also called: Brain malformations and urinary tract defects. Identifiers: MedGen C4478940, MONDO:0100478, OMIM 613735.

Allele frequency attached by ClinVar (database versions not stated): gnomAD exomes 0.00003 and 0.00006; ExAC 0.00009; ESP Exome Variant Server 0.00015; gnomAD 0.00016 and 0.00017; 1000 Genomes Project 0.00140.
gnomAD v4.1: 55 of 1,346,868 alleles (0.0041%); highest among the groups gnomAD compares: African/African-American, 0.07%; no homozygotes.

Submissions (2):

Labcorp Genetics (formerly Invitae), Labcorp
Classification: Uncertain significance. Last evaluated: 2022-07-26. Review status: criteria provided, single submitter. Criteria: Invitae Variant Classification Sherloc (09022015). Collection method: clinical testing. Allele origin: germline.
Comment: Variants that disrupt the consensus splice site are a relatively common cause of aberrant splicing (PMID: 17576681, 9536098). Algorithms developed to predict the effect of sequence changes on RNA splicing suggest that this variant is not likely to affect RNA splicing. ClinVar contains an entry for this variant (Variation ID: 1417284). This variant has not been reported in the literature in individuals affected with NFIA-related conditions. The frequency data for this variant in the population databases is considered unreliable, as metrics indicate poor data quality at this position in the gnomAD database. This sequence change falls in intron 8 of the NFIA gene. It does not directly change the encoded amino acid sequence of the NFIA protein. It affects a nucleotide within the consensus splice site. In summary, the available evidence is currently insufficient to determine the role of this variant in disease. Therefore, it has been classified as a Variant of Uncertain Significance.

Hong-Tao Li Lab, Institute of Brain Science and Brain-inspired Research, Shandong First Medical University & Shandong Academy of Medical Sciences China
Classification: Uncertain significance for Brain malformations with or without urinary tract defects. Review status: no assertion criteria provided. Collection method: research. Allele origin: germline. Inheritance: Autosomal dominant inheritance. Affected: yes. Observed: 1 variant allele, 1 heterozygote. Not counted in ClinVar's aggregate classification.
Comment: Observed in affected individuals from a Pakistani neurodevelopmental-disorder research cohort of 263 individuals. Classification assigned using the ACMG/AMP framework. Population-frequency evidence: gnomAD AF 6.134e-05.

Literature cited by the submitters: PubMed 17576681 (cited by Labcorp Genetics (formerly Invitae), Labcorp); PubMed 9536098 (cited by Labcorp Genetics (formerly Invitae), Labcorp).

NM_001134673.4(NFIA):c.1255-3C>A

Gene: NFIA (nuclear factor I A; plus strand). Cytogenetic location: 1p31.3.
Variant type: single nucleotide variant.
Coding change: c.1255-3C>A on transcript NM_001134673.4 (MANE Select); 3 bases into the intron before coding-DNA position 1255, C replaced by A.
Molecular consequence: intron variant.
Genome position (GRCh38, 1-based): chr1:61,406,559, C>A. VCF-style: chr1-61406559-C-A. GRCh37 (hg19) VCF-style: chr1-61872231-C-A.
Other names: c.1231-3C>A (NM_001145511.2); c.1390-3C>A (NM_001145512.2); c.1255-3C>A (NM_005595.5).
Identifiers: ClinVar variation 1417284 (VCV001417284.7), dbSNP rs371230943, ClinGen allele CA881260.